The following is an entry in ClinVar:

NM_001025603.2(RFX5):c.310A>G (p.Thr104Ala)

Gene: RFX5 (regulatory factor X5; minus strand). Cytogenetic location: 1q21.3.
Variant type: single nucleotide variant.
Coding change: c.310A>G on transcript NM_001025603.2 (MANE Select); coding-DNA position 310, A replaced by G.
Protein change: p.Thr104Ala; replaces threonine 104 with alanine.
Molecular consequence: missense variant. On other transcripts: intron variant (2).
Genome position (GRCh38, 1-based): chr1:151,344,771, T>C on the plus strand (A>G on the coding strand, the complement: RFX5 is on the minus strand). VCF-style: chr1-151344771-T-C. GRCh37 (hg19) VCF-style: chr1-151317247-T-C.
Other names: c.310A>G, p.Thr104Ala (NM_000449.4, NM_001379412.1, NM_001379413.1 and 5 more transcripts); c.234-235A>G (NM_001379419.1, NM_001379420.1); short protein forms T104A.
Identifiers: ClinVar variation 941817 (VCV000941817.7), dbSNP rs763695749, ClinGen allele CA1089877.

ClinVar aggregate classification (germline): Uncertain significance (1 of 4 stars; one submission).

Conditions:
MHC class II deficiency. Also called: Bare lymphocyte syndrome 2; BLS, TYPE II. Identifiers: Orphanet 572, MedGen C5447452, MONDO:0008855.

Allele frequency attached by ClinVar (database versions not stated): gnomAD exomes 0.00001; TOPMed below 0.00001; ExAC 0.00001; gnomAD 0.00001.

Submission:

Labcorp Genetics (formerly Invitae), Labcorp
Classification: Uncertain significance for MHC class II deficiency. Last evaluated: 2021-08-31. Review status: criteria provided, single submitter. Criteria: Invitae Variant Classification Sherloc (09022015). Collection method: clinical testing. Allele origin: germline.
Comment: This sequence change replaces threonine with alanine at codon 104 of the RFX5 protein (p.Thr104Ala). The threonine residue is weakly conserved and there is a small physicochemical difference between threonine and alanine. This variant is present in population databases (rs763695749, ExAC 0.002%). This variant has not been reported in the literature in individuals affected with RFX5-related conditions. Algorithms developed to predict the effect of missense changes on protein structure and function output the following: SIFT: "Tolerated"; PolyPhen-2: "Benign"; Align-GVGD: "Class C0". The alanine amino acid residue is found in multiple mammalian species, which suggests that this missense change does not adversely affect protein function. In summary, the available evidence is currently insufficient to determine the role of this variant in disease. Therefore, it has been classified as a Variant of Uncertain Significance.